The following is an entry in ClinVar:

NM_002354.3(EPCAM):c.849T>G (p.Ile283Met)

Gene: EPCAM (epithelial cell adhesion molecule; plus strand). Cytogenetic location: 2p21.
Variant type: single nucleotide variant.
Coding change: c.849T>G on transcript NM_002354.3 (MANE Select); coding-DNA position 849, T replaced by G.
Protein change: p.Ile283Met; replaces isoleucine 283 with methionine.
Molecular consequence: missense variant.
Genome position (GRCh38, 1-based): chr2:47,379,960, T>G. VCF-style: chr2-47379960-T-G. GRCh37 (hg19) VCF-style: chr2-47607099-T-G.
Other names: short protein forms I283M.
Identifiers: ClinVar variation 2444863 (VCV002444863.4), dbSNP rs1433153946, ClinGen allele CA346724943.

ClinVar aggregate classification (germline): Uncertain significance. Review status: criteria provided, multiple submitters, no conflicts (2 of 4 stars). 2 submissions from 2 submitters: Uncertain significance (2). Last evaluated 2025-04-01.

Conditions:
Hereditary cancer-predisposing syndrome. Also called: Neoplastic Syndromes, Hereditary; Hereditary Cancer Syndrome; Tumor predisposition; Hereditary neoplastic syndrome. Identifiers: Orphanet 140162, MedGen C0027672, MeSH D009386, MONDO:0015356.
Lynch syndrome 8 (LYNCH8). Also called: Colorectal cancer, hereditary nonpolyposis, type 8. Identifiers: Orphanet 144, MedGen C2750471, MONDO:0013196, OMIM 613244.

gnomAD v4.1: 1 of 1,612,228 alleles (0.000062%); highest among the groups gnomAD compares: Non-Finnish European, 0.000085%; no homozygotes.

Submissions (2):

Ambry Genetics
Classification: Uncertain significance for Hereditary cancer-predisposing syndrome. Last evaluated: 2025-04-01. Review status: criteria provided, single submitter. Criteria: Ambry Variant Classification Scheme 2023. Collection method: clinical testing. Allele origin: germline.
Comment: The p.I283M variant (also known as c.849T>G), located in coding exon 7 of the EPCAM gene, results from a T to G substitution at nucleotide position 849. The isoleucine at codon 283 is replaced by methionine, an amino acid with highly similar properties. This amino acid position is conserved. In addition, this alteration is predicted to be tolerated by in silico analysis. Since supporting evidence is limited at this time, the clinical significance of this alteration remains unclear.

St. Jude Molecular Pathology, St. Jude Children's Research Hospital
Classification: Uncertain significance for Lynch syndrome 8. Last evaluated: 2023-01-09. Review status: criteria provided, single submitter. Criteria: St. Jude Assertion Criteria 2020. Collection method: clinical testing. Allele origin: germline.
Comment: The EPCAM c.849T>G (p.Ile283Met) missense change has a maximum subpopulation frequency of 0.00090% in gnomAD v2.1.1. The in silico tool REVEL is inconclusive about a pathogenic or benign effect of this variant on protein function, and to our knowledge functional studies have not been performed. To our knowledge, this variant has not been reported in individuals with Lynch syndrome. In summary, the evidence currently available is insufficient to determine the clinical significance of this variant. It has therefore been classified as of uncertain significance.